The following is an entry in ClinVar:

NM_007357.3(COG2):c.504A>C (p.Gln168His)

Gene: COG2 (component of oligomeric golgi complex 2; plus strand). Cytogenetic location: 1q42.2.
Variant type: single nucleotide variant.
Coding change: c.504A>C on transcript NM_007357.3 (MANE Select); coding-DNA position 504, A replaced by C.
Protein change: p.Gln168His; replaces glutamine 168 with histidine.
Molecular consequence: missense variant.
Genome position (GRCh38, 1-based): chr1:230,668,694, A>C. VCF-style: chr1-230668694-A-C. GRCh37 (hg19) VCF-style: chr1-230804440-A-C.
Other names: c.504A>C, p.Gln168His (NM_001145036.2); c.504A>C (NM_007357.2); short protein forms Q168H.
Identifiers: ClinVar variation 1386352 (VCV001386352.6), dbSNP rs377285547, ClinGen allele CA1447447.

ClinVar aggregate classification (germline): Uncertain significance. Review status: criteria provided, multiple submitters, no conflicts (2 of 4 stars). 2 submissions from 2 submitters: Uncertain significance (2). Last evaluated 2025-05-26.

Conditions:
Congenital disorder of glycosylation, type IIq. Also called: CDG IIq. Identifiers: Orphanet 435934, MedGen C4479353, MONDO:0054559, OMIM 617395.

gnomAD v4.1: 51 of 1,611,370 alleles (0.0032%); highest among the groups gnomAD compares: Middle Eastern, 0.016%; no homozygotes.

Submissions (2):

Ambry Genetics
Classification: Uncertain significance. Last evaluated: 2025-05-26. Review status: criteria provided, single submitter. Criteria: Ambry Variant Classification Scheme 2023. Collection method: clinical testing. Allele origin: germline.

Labcorp Genetics (formerly Invitae), Labcorp
Classification: Uncertain significance for Congenital disorder of glycosylation, type IIq. Last evaluated: 2021-08-28. Review status: criteria provided, single submitter. Criteria: Invitae Variant Classification Sherloc (09022015). Collection method: clinical testing. Allele origin: germline.
Comment: This sequence change replaces glutamine with histidine at codon 168 of the COG2 protein (p.Gln168His). The glutamine residue is highly conserved and there is a small physicochemical difference between glutamine and histidine. This variant is present in population databases (rs377285547, ExAC 0.006%). This variant has not been reported in the literature in individuals affected with COG2-related conditions. Algorithms developed to predict the effect of missense changes on protein structure and function are either unavailable or do not agree on the potential impact of this missense change (SIFT: "Deleterious"; PolyPhen-2: "Benign"; Align-GVGD: "Class C0"). In summary, the available evidence is currently insufficient to determine the role of this variant in disease. Therefore, it has been classified as a Variant of Uncertain Significance.